The following is an entry in ClinVar:

ClinVar aggregate classification (germline): Pathogenic. Review status: criteria provided, multiple submitters, no conflicts (2 of 4 stars). 2 submissions from 2 submitters: Pathogenic (2). Last evaluated 2025-06-13.

Conditions:
Combined deficiency of sialidase AND beta galactosidase (GSL). Also called: PPCA DEFICIENCY; PROTECTIVE PROTEIN/CATHEPSIN A DEFICIENCY; GOLDBERG SYNDROME; NEURAMINIDASE DEFICIENCY WITH BETA-GALACTOSIDASE DEFICIENCY; NEURAMINIDASE/BETA-GALACTOSIDASE EXPRESSION; CATHEPSIN A DEFICIENCY. Identifiers: Orphanet 351, MedGen C0268233, MONDO:0009737, OMIM 256540.

Submissions (2):

Women's Health and Genetics/Laboratory Corporation of America, LabCorp
Classification: Pathogenic for Combined deficiency of sialidase AND beta galactosidase. Last evaluated: 2025-06-13. Review status: criteria provided, single submitter. Criteria: LabCorp Variant Classification Summary - May 2015. Collection method: clinical testing. Allele origin: germline.
Comment: Variant summary: CTSA c.143delG (p.Arg48ProfsX44) results in a premature termination codon, predicted to cause a truncation of the encoded protein or absence of the protein due to nonsense mediated decay, which are commonly known mechanisms for disease. The variant was absent in 248998 control chromosomes. To our knowledge, no occurrence of c.143delG in individuals affected with Galactosialidosis and no experimental evidence demonstrating its impact on protein function have been reported. ClinVar contains an entry for this variant (Variation ID: 2101801). Based on the evidence outlined above, the variant was classified as pathogenic.

Labcorp Genetics (formerly Invitae), Labcorp
Classification: Pathogenic for Combined deficiency of sialidase AND beta galactosidase. Last evaluated: 2024-05-29. Review status: criteria provided, single submitter. Criteria: Invitae Variant Classification Sherloc (09022015). Collection method: clinical testing. Allele origin: germline.
Comment: This sequence change creates a premature translational stop signal (p.Arg66Profs*44) in the CTSA gene. It is expected to result in an absent or disrupted protein product. Loss-of-function variants in CTSA are known to be pathogenic (PMID: 15110321, 23915561). This variant is not present in population databases (gnomAD no frequency). This variant has not been reported in the literature in individuals affected with CTSA-related conditions. ClinVar contains an entry for this variant (Variation ID: 2101801). For these reasons, this variant has been classified as Pathogenic.

Literature cited by the submitters: PubMed 15110321 (cited by Labcorp Genetics (formerly Invitae), Labcorp); PubMed 23915561 (cited by Labcorp Genetics (formerly Invitae), Labcorp).

NM_000308.4(CTSA):c.143del (p.Arg48fs)

Gene: CTSA (cathepsin A; plus strand). Cytogenetic location: 20q13.12.
Variant type: Deletion.
Coding change: c.143del on transcript NM_000308.4 (MANE Select); coding-DNA position 143, one base deleted (G; older notation c.143delG).
Protein change: p.Arg48fs; shifts the reading frame from arginine 48.
Molecular consequence: frameshift variant. On other transcripts: non-coding transcript variant (1).
Genome position (GRCh38, 1-based): chr20:45,891,711, G deleted. VCF-style (leftmost placement, unchanged base first): chr20-45891710-CG-C. GRCh37 (hg19) VCF-style: chr20-44520349-CG-C.
Other names: c.143del, p.Arg48fs (NM_001127695.3, NM_001167594.3); c.143delG (NM_000308.4); short protein forms R48fs.
Identifiers: ClinVar variation 2101801 (VCV002101801.5), dbSNP rs2515432357, ClinGen allele CA2580098230.
Genomic context (GRCh38, chr20:45,891,710, plus strand): 5'-GCAGCCCCCGACCAGGACGAGATCCAGCGCCTCCCCGGGCTGGCCAAGCAGCCGTCTTTC[CG>C]CCAGTACTCCGGCTACCTCAAAGGCTCCGGCTCCAAGCACCTCCACTACTGGTCTGCCGC-3'